The following is an entry in ClinVar:

NM_000052.7(ATP7A):c.2957G>A (p.Arg986Gln)

Gene: ATP7A (ATPase copper transporting alpha; plus strand). Cytogenetic location: Xq21.1.
Variant type: single nucleotide variant.
Coding change: c.2957G>A on transcript NM_000052.7 (MANE Select); coding-DNA position 2957, G replaced by A.
Protein change: p.Arg986Gln; replaces arginine 986 with glutamine.
Molecular consequence: missense variant.
Genome position (GRCh38, 1-based): chrX:78,029,290, G>A. VCF-style: chrX-78029290-G-A. GRCh37 (hg19) VCF-style: chrX-77284787-G-A.
Other names: c.2723G>A, p.Arg908Gln (NM_001282224.2); short protein forms R986Q, R908Q.
Identifiers: ClinVar variation 245881 (VCV000245881.4), dbSNP rs781995242, ClinGen allele CA10459363.

ClinVar aggregate classification (germline): Uncertain significance. Review status: criteria provided, multiple submitters, no conflicts (2 of 4 stars). 2 submissions from 2 submitters: Uncertain significance (2). Last evaluated 2022-09-10.

Conditions:
X-linked distal spinal muscular atrophy type 3. Also called: ATP7A-Related Distal Motor Neuropathy; SPINAL MUSCULAR ATROPHY, DISTAL, X-LINKED RECESSIVE; NEURONOPATHY, DISTAL HEREDITARY MOTOR, X-LINKED; NEUROPATHY, DISTAL HEREDITARY MOTOR, X-LINKED. Identifiers: Orphanet 139557, MedGen C1845359, MONDO:0010338, OMIM 300489.
Menkes kinky-hair syndrome (MNK). Also called: Copper transport disease; Classic Menkes Disease; Menkes Disease. Identifiers: Orphanet 565, MedGen C0022716, MONDO:0010651, OMIM 309400.
Cutis laxa, X-linked (OHS). Also called: EDS IX; Occipital horn syndrome. Identifiers: Orphanet 198, MedGen C0268353, MONDO:0010572, OMIM 304150.

Allele frequency attached by ClinVar (database versions not stated): ExAC 0.00001; gnomAD exomes 0.00001.
gnomAD v4.1: 14 of 1,211,117 alleles (0.0012%); highest among the groups gnomAD compares: East Asian, 0.0059%; no homozygotes.

Submissions (2):

Labcorp Genetics (formerly Invitae), Labcorp
Classification: Uncertain significance for X-linked distal spinal muscular atrophy type 3; Cutis laxa, X-linked; Menkes kinky-hair syndrome. Last evaluated: 2022-09-10. Review status: criteria provided, single submitter. Criteria: Invitae Variant Classification Sherloc (09022015). Collection method: clinical testing. Allele origin: germline.
Comment: This sequence change replaces arginine, which is basic and polar, with glutamine, which is neutral and polar, at codon 986 of the ATP7A protein (p.Arg986Gln). This variant is present in population databases (rs781995242, gnomAD 0.008%). This missense change has been observed in individual(s) with Menkes disease (PMID: 30809870). This variant is also known as c.3102G>A. ClinVar contains an entry for this variant (Variation ID: 245881). Advanced modeling of protein sequence and biophysical properties (such as structural, functional, and spatial information, amino acid conservation, physicochemical variation, residue mobility, and thermodynamic stability) performed at Invitae indicates that this missense variant is not expected to disrupt ATP7A protein function. In summary, the available evidence is currently insufficient to determine the role of this variant in disease. Therefore, it has been classified as a Variant of Uncertain Significance.

GeneDx
Classification: Uncertain significance. Last evaluated: 2018-04-18. Review status: criteria provided, single submitter. Criteria: GeneDx Variant Classification (06012015). Collection method: clinical testing. Allele origin: germline. Affected: yes.
Comment: The R986Q variant in the ATP7A gene has been reported previously in a patient with Menkes disease, in a publication following body weight and height in individuals treated with copper-histidine after 1 month of birth. No additional variant specific nor patient specific information was included in the publication (Gu et al., 2014). The R986Q variant is observed in 1/12870 (0.008%) alleles from individuals of East Asian background, in large population cohorts (Lek et al., 2016). The R986Q variant is a semi-conservative amino acid substitution, which may impact secondary protein structure as these residues differ in some properties. In-silico analyses, including protein predictors and evolutionary conservation, support that this variant does not alter protein structure/function. We interpret R986Q as a variant of uncertain significance,

Literature cited by the submitters: PubMed 30809870 (cited by Labcorp Genetics (formerly Invitae), Labcorp).